The following is an entry in ClinVar:

NM_006206.6(PDGFRA):c.121C>G (p.Leu41Val)

Gene: PDGFRA (platelet derived growth factor receptor alpha; plus strand). Cytogenetic location: 4q12.
Variant type: single nucleotide variant.
Coding change: c.121C>G on transcript NM_006206.6 (MANE Select); coding-DNA position 121, C replaced by G.
Protein change: p.Leu41Val; replaces leucine 41 with valine.
Molecular consequence: missense variant.
Genome position (GRCh38, 1-based): chr4:54,261,166, C>G. VCF-style: chr4-54261166-C-G. GRCh37 (hg19) VCF-style: chr4-55127333-C-G.
Other names: c.121C>G, p.Leu41Val (NM_001347827.2, NM_001347829.2); c.196C>G, p.Leu66Val (NM_001347828.2); c.160C>G, p.Leu54Val (NM_001347830.2); short protein forms L41V, L54V, L66V.
Identifiers: ClinVar variation 3416445 (VCV003416445.2).

ClinVar aggregate classification (germline): Uncertain significance. Review status: criteria provided, multiple submitters, no conflicts (2 of 4 stars). 2 submissions from 2 submitters: Uncertain significance (2). Last evaluated 2024-11-20.

Conditions:
Hereditary cancer-predisposing syndrome. Also called: Hereditary Cancer Syndrome; Neoplastic Syndromes, Hereditary; Tumor predisposition; Hereditary neoplastic syndrome. Identifiers: Orphanet 140162, MedGen C0027672, MeSH D009386, MONDO:0015356.

Submissions (2):

Ambry Genetics
Classification: Uncertain significance for Hereditary cancer-predisposing syndrome. Last evaluated: 2024-11-20. Review status: criteria provided, single submitter. Criteria: Ambry Variant Classification Scheme 2023. Collection method: clinical testing. Allele origin: germline.
Comment: The p.L41V variant (also known as c.121C>G), located in coding exon 2 of the PDGFRA gene, results from a C to G substitution at nucleotide position 121. The leucine at codon 41 is replaced by valine, an amino acid with highly similar properties. This amino acid position is conserved. In addition, this alteration is predicted to be tolerated by in silico analysis. Based on the available evidence, the clinical significance of this variant remains unclear.

Blueprint Genetics
Classification: Uncertain significance. Last evaluated: 2023-10-26. Review status: criteria provided, single submitter. Criteria: ACMG Guidelines, 2015. Collection method: clinical testing. Allele origin: germline.